The following is an entry in ClinVar:

ClinVar aggregate classification (germline): Likely benign. Review status: criteria provided, multiple submitters, no conflicts (2 of 4 stars). 4 submissions from 4 submitters: Likely benign (4). Last evaluated 2025-12-01.

Allele frequency attached by ClinVar (database versions not stated): gnomAD 0.00004 and 0.00005; ExAC 0.00005; gnomAD exomes 0.00005; TOPMed 0.00005.
gnomAD v4.1: 80 of 1,613,992 alleles (0.005%); highest among the groups gnomAD compares: Middle Eastern, 0.049%; 1 homozygote.

Submissions (4):

CeGaT Center for Human Genetics Tuebingen
Classification: Likely benign. Last evaluated: 2025-12-01. Review status: criteria provided, single submitter. Criteria: CeGaT Center For Human Genetics Tuebingen Variant Classification Criteria Version 2. Collection method: clinical testing. Allele origin: germline. Affected: yes. Observed: 1 variant allele.
Comment: TENM4: BP4, BP7

Blueprint Genetics
Classification: Likely benign. Last evaluated: 2024-04-29. Review status: criteria provided, single submitter. Criteria: ACMG Guidelines, 2015. Collection method: clinical testing. Allele origin: germline.

Labcorp Genetics (formerly Invitae), Labcorp
Classification: Likely benign. Last evaluated: 2017-12-05. Review status: criteria provided, single submitter. Criteria: Invitae Variant Classification Sherloc (09022015). Collection method: clinical testing. Allele origin: germline.

Breakthrough Genomics
Classification: Likely benign. Review status: criteria provided, single submitter. Criteria: ACMG Guidelines, 2015. Collection method: not provided. Allele origin: germline. Inheritance: Autosomal dominant inheritance. Affected: yes.

NM_001098816.3(TENM4):c.4413C>T (p.Thr1471=)

Gene: TENM4 (teneurin transmembrane protein 4; minus strand). Cytogenetic location: 11q14.1.
Variant type: single nucleotide variant.
Coding change: c.4413C>T on transcript NM_001098816.3 (MANE Select); coding-DNA position 4413, C replaced by T.
Protein change: p.Thr1471=; no amino-acid change (threonine 1471 retained).
Molecular consequence: synonymous variant.
Genome position (GRCh38, 1-based): chr11:78,702,200, G>A on the plus strand (C>T on the coding strand, the complement: TENM4 is on the minus strand). VCF-style: chr11-78702200-G-A. GRCh37 (hg19) VCF-style: chr11-78413245-G-A.
Identifiers: ClinVar variation 726600 (VCV000726600.10), dbSNP rs759332892, ClinGen allele CA6206807.